The following is an entry in ClinVar:

NM_006306.4(SMC1A):c.1971T>A (p.Ser657Arg)

Gene: SMC1A (structural maintenance of chromosomes 1A; minus strand). Cytogenetic location: Xp11.22.
Variant type: single nucleotide variant.
Coding change: c.1971T>A on transcript NM_006306.4 (MANE Select); coding-DNA position 1971, T replaced by A.
Protein change: p.Ser657Arg; replaces serine 657 with arginine.
Molecular consequence: missense variant.
Genome position (GRCh38, 1-based): chrX:53,405,332, A>T on the plus strand (T>A on the coding strand, the complement: SMC1A is on the minus strand). VCF-style: chrX-53405332-A-T. GRCh37 (hg19) VCF-style: chrX-53432264-A-T.
Other names: c.1905T>A, p.Ser635Arg (NM_001281463.1); short protein forms S635R, S657R.
Identifiers: ClinVar variation 1314441 (VCV001314441.5), dbSNP rs2146599603, ClinGen allele CA413252424.

ClinVar aggregate classification (germline): Uncertain significance. Review status: criteria provided, multiple submitters, no conflicts (2 of 4 stars). 2 submissions from 2 submitters: Uncertain significance (2). Last evaluated 2024-04-15.

Submissions (2):

Blueprint Genetics
Classification: Uncertain significance. Last evaluated: 2024-04-15. Review status: criteria provided, single submitter. Criteria: ACMG Guidelines, 2015. Collection method: clinical testing. Allele origin: germline.

GeneDx
Classification: Uncertain significance. Last evaluated: 2023-11-29. Review status: criteria provided, single submitter. Criteria: GeneDx Variant Classification Process June 2021. Collection method: clinical testing. Allele origin: germline. Affected: yes.
Comment: Not observed at significant frequency in large population cohorts (gnomAD); Missense variants in this gene are a common cause of disease and they are underrepresented in the general population; In silico analysis supports that this missense variant does not alter protein structure/function; Has not been previously published as pathogenic or benign to our knowledge